The following is an entry in ClinVar:

NM_001042492.3(NF1):c.2410-9T>G

Gene: NF1 (neurofibromin 1; plus strand). Cytogenetic location: 17q11.2.
Variant type: single nucleotide variant.
Coding change: c.2410-9T>G on transcript NM_001042492.3 (MANE Select); 9 bases into the intron before coding-DNA position 2410, T replaced by G.
Molecular consequence: intron variant.
Genome position (GRCh38, 1-based): chr17:31,229,016, T>G. VCF-style: chr17-31229016-T-G. GRCh37 (hg19) VCF-style: chr17-29556034-T-G.
Other names: c.2410-9T>G (NM_000267.4).
Identifiers: ClinVar variation 2501661 (VCV002501661.3), dbSNP rs1597715061, ClinGen allele CA982964685.

ClinVar aggregate classification (germline): Conflicting classifications of pathogenicity. Review status: criteria provided, conflicting classifications (1 of 4 stars). 2 submissions from 2 submitters: Uncertain significance (1); Likely benign (1). Last evaluated 2024-11-20.

Conditions:
Neurofibromatosis, type 1 (NF1). Also called: Peripheral type neurofibromatosis; Neurofibromatosis, type I; VON RECKLINGHAUSEN DISEASE; NEUROFIBROMATOSIS, TYPE I, SOMATIC. Identifiers: Orphanet 636, MedGen C0027831, MONDO:0018975, OMIM 162200. Disease mechanism: loss of function.

gnomAD v4.1: 1 of 1,588,738 alleles (0.000063%); no homozygotes.

Submissions (2):

Labcorp Genetics (formerly Invitae), Labcorp
Classification: Likely benign for Neurofibromatosis, type 1. Last evaluated: 2024-11-20. Review status: criteria provided, single submitter. Criteria: Invitae Variant Classification Sherloc (09022015). Collection method: clinical testing. Allele origin: germline.

GeneDx
Classification: Uncertain significance. Last evaluated: 2023-05-07. Review status: criteria provided, single submitter. Criteria: GeneDx Variant Classification Process June 2021. Collection method: clinical testing. Allele origin: germline. Affected: yes.
Comment: Not observed at significant frequency in large population cohorts (gnomAD); In silico analysis supports that this variant does not alter splicing; Has not been previously published as pathogenic or benign to our knowledge; Also known as IVS15-9T>G; This variant is associated with the following publications: (PMID: 32126153)